The following is an entry in ClinVar:

NM_004260.4(RECQL4):c.1799C>G (p.Ala600Gly)

Gene: RECQL4 (RecQ like helicase 4; minus strand). Cytogenetic location: 8q24.3.
Variant type: single nucleotide variant.
Coding change: c.1799C>G on transcript NM_004260.4 (MANE Select); coding-DNA position 1799, C replaced by G.
Protein change: p.Ala600Gly; replaces alanine 600 with glycine.
Molecular consequence: missense variant. On other transcripts: non-coding transcript variant (3), intron variant (3).
Genome position (GRCh38, 1-based): chr8:144,514,268, G>C on the plus strand (C>G on the coding strand, the complement: RECQL4 is on the minus strand). VCF-style: chr8-144514268-G-C. GRCh37 (hg19) VCF-style: chr8-145739652-G-C.
Other names: c.1703C>G, p.Ala568Gly (NM_001413017.1, NM_001413020.1); c.1799C>G, p.Ala600Gly (NM_001413018.1, NM_001413019.1, NM_001413036.1); c.728C>G, p.Ala243Gly (NM_001413021.1, NM_001413022.1, NM_001413023.1 and 6 more transcripts); c.1670C>G, p.Ala557Gly (NM_001413025.1); c.662C>G, p.Ala221Gly (NM_001413027.1, NM_001413030.1, NM_001413032.1 and 1 more transcripts); c.1448C>G, p.Ala483Gly (NM_001413029.1); c.1769C>G, p.Ala590Gly (NM_001413039.1); c.698C>G, p.Ala233Gly (NM_001413042.1); and 4 more; short protein forms A221G, A590G, A111G, A243G, A233G, A483G, A600G, A557G.
Identifiers: ClinVar variation 4841563 (VCV004841563.1).

ClinVar aggregate classification (germline): Uncertain significance (1 of 4 stars; one submission).

Conditions:
Inborn genetic diseases. Identifiers: MedGen C0950123, MeSH D030342.

Submission:

Ambry Genetics
Classification: Uncertain significance for Inborn genetic diseases. Last evaluated: 2025-12-21. Review status: criteria provided, single submitter. Criteria: Ambry Variant Classification Scheme 2023. Collection method: clinical testing. Allele origin: germline.
Comment: The p.A600G variant (also known as c.1799C>G), located in coding exon 11 of the RECQL4 gene, results from a C to G substitution at nucleotide position 1799. The alanine at codon 600 is replaced by glycine, an amino acid with similar properties. This amino acid position is conserved. In addition, the in silico prediction for this alteration is inconclusive. Based on the available evidence, the clinical significance of this variant remains unclear.